The following is an entry in ClinVar:

ClinVar aggregate classification (germline): Uncertain significance (1 of 4 stars; one submission).

Conditions:
Aicardi-Goutieres syndrome 5. Identifiers: Orphanet 51, MedGen C2749659, MONDO:0013059, OMIM 612952.

Submission:

Labcorp Genetics (formerly Invitae), Labcorp
Classification: Uncertain significance for Aicardi-Goutieres syndrome 5. Last evaluated: 2024-12-02. Review status: criteria provided, single submitter. Criteria: Invitae Variant Classification Sherloc (09022015). Collection method: clinical testing. Allele origin: germline.
Comment: This sequence change replaces aspartic acid, which is acidic and polar, with glycine, which is neutral and non-polar, at codon 516 of the SAMHD1 protein (p.Asp516Gly). This variant is not present in population databases (gnomAD no frequency). This variant has not been reported in the literature in individuals affected with SAMHD1-related conditions. ClinVar contains an entry for this variant (Variation ID: 1960827). Invitae Evidence Modeling of protein sequence and biophysical properties (such as structural, functional, and spatial information, amino acid conservation, physicochemical variation, residue mobility, and thermodynamic stability) has been performed for this missense variant. However, the output from this modeling did not meet the statistical confidence thresholds required to predict the impact of this variant on SAMHD1 protein function. In summary, the available evidence is currently insufficient to determine the role of this variant in disease. Therefore, it has been classified as a Variant of Uncertain Significance.

NM_015474.4(SAMHD1):c.1547A>G (p.Asp516Gly)

Gene: SAMHD1 (SAM and HD domain containing deoxynucleoside triphosphate triphosphohydrolase 1; minus strand). Cytogenetic location: 20q11.23.
Variant type: single nucleotide variant.
Coding change: c.1547A>G on transcript NM_015474.4 (MANE Select); coding-DNA position 1547, A replaced by G.
Protein change: p.Asp516Gly; replaces aspartic acid 516 with glycine.
Molecular consequence: missense variant. On other transcripts: intron variant (1).
Genome position (GRCh38, 1-based): chr20:36,898,501, T>C on the plus strand (A>G on the coding strand, the complement: SAMHD1 is on the minus strand). VCF-style: chr20-36898501-T-C. GRCh37 (hg19) VCF-style: chr20-35526904-T-C.
Other names: c.1547A>G, p.Asp516Gly (NM_001363733.2); c.1504-542A>G (NM_001363729.2); short protein forms D516G.
Identifiers: ClinVar variation 1960827 (VCV001960827.5), dbSNP rs2515219059, ClinGen allele CA408840283.